The following is an entry in ClinVar:

NM_012431.3(SEMA3E):c.1208G>A (p.Arg403Gln)

Gene: SEMA3E (semaphorin 3E; minus strand). Cytogenetic location: 7q21.11.
Variant type: single nucleotide variant.
Coding change: c.1208G>A on transcript NM_012431.3 (MANE Select); coding-DNA position 1208, G replaced by A.
Protein change: p.Arg403Gln; replaces arginine 403 with glutamine.
Molecular consequence: missense variant.
Genome position (GRCh38, 1-based): chr7:83,400,186, C>T on the plus strand (G>A on the coding strand, the complement: SEMA3E is on the minus strand). VCF-style: chr7-83400186-C-T. GRCh37 (hg19) VCF-style: chr7-83029502-C-T.
Other names: c.1028G>A, p.Arg343Gln (NM_001178129.2); short protein forms R343Q, R403Q.
Identifiers: ClinVar variation 3020420 (VCV003020420.3), dbSNP rs376950350, ClinGen allele CA4322083.
Genomic context (GRCh38, chr7:83,400,186, plus strand): 5'-ATTGGTTTTTTATGGGCAGGTTTTATGGCCTGGTACATTAGTGGATGACTTCTTGCAAAT[C>T]GGATGGCATCATCAGGATAGTCCTTGGTGGTTCCGTATCTCCCTCCATTTACTTTGCTGG-3'
Protein context (NP_036563.1, residues 393-413): TTKDYPDDAI[Arg403Gln]FARSHPLMYQ

ClinVar aggregate classification (germline): Uncertain significance (1 of 4 stars; one submission).

Conditions:
CHARGE syndrome (CHARGE). Also called: Hittner Hirsch Kreh syndrome; CHARGE ASSOCIATION--COLOBOMA, HEART ANOMALY, CHOANAL ATRESIA, RETARDATION, GENITAL AND EAR ANOMALIES; Coloboma, heart anomaly, choanal atresia, retardation, genital and ear anomalies; CHARGE association; Hall-Hittner syndrome. Identifiers: Orphanet 138, MedGen C0265354, MONDO:0008965.

Allele frequency attached by ClinVar (database versions not stated): gnomAD 0.00001; TOPMed 0.00001; ExAC 0.00002; ESP Exome Variant Server 0.00008.
gnomAD v4.1: 47 of 1,613,778 alleles (0.0029%); highest among the groups gnomAD compares: Non-Finnish European, 0.0036%; no homozygotes.

Submission:

Labcorp Genetics (formerly Invitae), Labcorp
Classification: Uncertain significance for CHARGE syndrome. Last evaluated: 2022-12-03. Review status: criteria provided, single submitter. Criteria: Invitae Variant Classification Sherloc (09022015). Collection method: clinical testing. Allele origin: germline.
Comment: This sequence change replaces arginine, which is basic and polar, with glutamine, which is neutral and polar, at codon 403 of the SEMA3E protein (p.Arg403Gln). In summary, the available evidence is currently insufficient to determine the role of this variant in disease. Therefore, it has been classified as a Variant of Uncertain Significance. Advanced modeling of protein sequence and biophysical properties (such as structural, functional, and spatial information, amino acid conservation, physicochemical variation, residue mobility, and thermodynamic stability) performed at Invitae indicates that this missense variant is not expected to disrupt SEMA3E protein function. This variant has not been reported in the literature in individuals affected with SEMA3E-related conditions. This variant is present in population databases (rs376950350, gnomAD 0.003%).